The following is an entry in ClinVar:

ClinVar aggregate classification (germline): Likely benign (1 of 4 stars; one submission).

Conditions:
Desbuquois dysplasia 1 (DBQD1). Also called: MICROMELIC DWARFISM WITH VERTEBRAL AND METAPHYSEAL ABNORMALITIES AND ADVANCED CARPOTARSAL OSSIFICATION; DESBUQUOIS DYSPLASIA 1, KIM VARIANT. Identifiers: Orphanet 1425, MedGen C4012146, MONDO:0009629, OMIM 251450.

Allele frequency attached by ClinVar (database versions not stated): gnomAD exomes 0.00054; 1000 Genomes Project 0.00359; 1000 Genomes Project 30x 0.00375; gnomAD 0.00440 and 0.00478; TOPMed 0.00515.
gnomAD v4.1: 794 of 376,982 alleles (0.21%); highest among the groups gnomAD compares: African/African-American, 1.5%; 5 homozygotes.

Submission:

Illumina Laboratory Services, Illumina
Classification: Likely benign for Desbuquois dysplasia 1. Last evaluated: 2018-01-13. Review status: criteria provided, single submitter. Criteria: ICSL Variant Classification Criteria 13 December 2019. Collection method: clinical testing. Allele origin: germline.
Comment: This variant was observed in the ICSL laboratory as part of a predisposition screen in an ostensibly healthy population. It had not been previously curated by ICSL or reported in the Human Gene Mutation Database (HGMD: prior to June 1st, 2018), and was therefore a candidate for classification through an automated scoring system. Utilizing variant allele frequency, disease prevalence and penetrance estimates, and inheritance mode, an automated score was calculated to assess if this variant is too frequent to cause the disease. Based on the score and internal cut-off values, a variant classified as likely benign is not then subjected to further curation. The score for this variant resulted in a classification of likely benign for this disease.

NM_001159773.2(CANT1):c.*696T>G

Gene: CANT1 (calcium activated nucleotidase 1; minus strand). Cytogenetic location: 17q25.3.
Variant type: single nucleotide variant.
Coding change: c.*696T>G on transcript NM_001159773.2 (MANE Select); 696 bases downstream of the stop codon, T replaced by G.
Molecular consequence: 3 prime UTR variant.
Genome position (GRCh38, 1-based): chr17:78,992,854, A>C on the plus strand (T>G on the coding strand, the complement: CANT1 is on the minus strand). VCF-style: chr17-78992854-A-C. GRCh37 (hg19) VCF-style: chr17-76988936-A-C.
Other names: c.*696T>G (NM_001159772.2, NM_138793.4).
Identifiers: ClinVar variation 891967 (VCV000891967.4), dbSNP rs149991908, ClinGen allele CA294809341.